The following is an entry in ClinVar:

ClinVar aggregate classification (germline): Uncertain significance (1 of 4 stars; one submission).

Conditions:
Ataxia-telangiectasia syndrome (AT). Also called: ATAXIA-TELANGIECTASIA, FRESNO VARIANT; Ataxia-telangiectasia, complementation group D; AT, COMPLEMENTATION GROUP C; Cerebello-oculocutaneous telangiectasia; Immunodeficiency with ataxia telangiectasia; Ataxia telangiectasia (A-T). Identifiers: Orphanet 100, MedGen C0004135, MONDO:0008840, OMIM 208900.

Submission:

Labcorp Genetics (formerly Invitae), Labcorp
Classification: Uncertain significance for Ataxia-telangiectasia syndrome. Last evaluated: 2021-10-14. Review status: criteria provided, single submitter. Criteria: Invitae Variant Classification Sherloc (09022015). Collection method: clinical testing. Allele origin: germline.
Comment: In summary, the available evidence is currently insufficient to determine the role of this variant in disease. Therefore, it has been classified as a Variant of Uncertain Significance. Algorithms developed to predict the effect of sequence changes on RNA splicing suggest that this variant may disrupt the consensus splice site. ClinVar contains an entry for this variant (Variation ID: 1027312). This variant has not been reported in the literature in individuals affected with ATM-related conditions. This variant is not present in population databases (ExAC no frequency). This sequence change falls in intron 25 of the ATM gene. It does not directly change the encoded amino acid sequence of the ATM protein.

NM_000051.4(ATM):c.3747-7T>G

Gene: ATM (ATM serine/threonine kinase; plus strand). Cytogenetic location: 11q22.3.
Variant type: single nucleotide variant.
Coding change: c.3747-7T>G on transcript NM_000051.4 (MANE Select); 7 bases into the intron before coding-DNA position 3747, T replaced by G.
Molecular consequence: intron variant.
Genome position (GRCh38, 1-based): chr11:108,284,220, T>G. VCF-style: chr11-108284220-T-G. GRCh37 (hg19) VCF-style: chr11-108154947-T-G.
Other names: c.3747-7T>G (NM_001351834.2).
Identifiers: ClinVar variation 1027312 (VCV001027312.7), dbSNP rs1057523136, ClinGen allele CA1998791756.